The following is an entry in ClinVar:

NM_001371727.1(GABRB2):c.841A>G (p.Thr281Ala)

Gene: GABRB2 (gamma-aminobutyric acid type A receptor subunit beta2; minus strand). Cytogenetic location: 5q34.
Variant type: single nucleotide variant.
Coding change: c.841A>G on transcript NM_001371727.1 (MANE Select); coding-DNA position 841, A replaced by G.
Protein change: p.Thr281Ala; replaces threonine 281 with alanine.
Molecular consequence: missense variant.
Genome position (GRCh38, 1-based): chr5:161,331,119, T>C on the plus strand (A>G on the coding strand, the complement: GABRB2 is on the minus strand). VCF-style: chr5-161331119-T-C. GRCh37 (hg19) VCF-style: chr5-160758126-T-C.
Other names: c.841A>G, p.Thr281Ala (NM_000813.3, NM_021911.3); short protein forms T281A.
Identifiers: ClinVar variation 2120508 (VCV002120508.4), dbSNP rs2546555672, ClinGen allele CA362175506.

ClinVar aggregate classification (germline): Uncertain significance (1 of 4 stars; one submission).

Conditions:
Intellectual disability. Also called: Intellectual functioning disability; intellectual disabilities; Intellectual developmental disorder. Identifiers: MedGen C3714756, MeSH D008607, MONDO:0001071, HP:0001249.

gnomAD v4.1: 1 of 1,551,420 alleles (0.000064%); no homozygotes.

Submission:

Labcorp Genetics (formerly Invitae), Labcorp
Classification: Uncertain significance for Intellectual disability. Last evaluated: 2022-04-01. Review status: criteria provided, single submitter. Criteria: Invitae Variant Classification Sherloc (09022015). Collection method: clinical testing. Allele origin: germline.
Comment: In summary, the available evidence is currently insufficient to determine the role of this variant in disease. Therefore, it has been classified as a Variant of Uncertain Significance. Advanced modeling of protein sequence and biophysical properties (such as structural, functional, and spatial information, amino acid conservation, physicochemical variation, residue mobility, and thermodynamic stability) performed at Invitae indicates that this missense variant is expected to disrupt GABRB2 protein function. This variant has not been reported in the literature in individuals affected with GABRB2-related conditions. This variant is not present in population databases (gnomAD no frequency). This sequence change replaces threonine, which is neutral and polar, with alanine, which is neutral and non-polar, at codon 281 of the GABRB2 protein (p.Thr281Ala).